The following is an entry in ClinVar:

NM_002972.4(SBF1):c.2712G>C (p.Leu904=)

Gene: SBF1 (SET binding factor 1; minus strand). Cytogenetic location: 22q13.33.
Variant type: single nucleotide variant.
Coding change: c.2712G>C on transcript NM_002972.4 (MANE Select); coding-DNA position 2712, G replaced by C.
Protein change: p.Leu904=; no amino-acid change (leucine 904 retained).
Molecular consequence: synonymous variant.
Genome position (GRCh38, 1-based): chr22:50,461,650, C>G on the plus strand (G>C on the coding strand, the complement: SBF1 is on the minus strand). VCF-style: chr22-50461650-C-G. GRCh37 (hg19) VCF-style: chr22-50900079-C-G.
Other names: p.Leu904=; c.2715G>C, p.Leu905= (NM_001365819.1).
Identifiers: ClinVar variation 440254 (VCV000440254.23), dbSNP rs114880473, ClinGen allele CA10317078.

ClinVar aggregate classification (germline): Benign/Likely benign. Review status: criteria provided, multiple submitters, no conflicts (2 of 4 stars). 5 submissions from 5 submitters: Benign (4); Likely benign (1). Last evaluated 2026-03-19.

Conditions:
SBF1-related disorder. Also called: SBF1-related condition.
Charcot-Marie-Tooth disease type 4B3. Also called: Charcot-Marie-Tooth Neuropathy Type 4B3; CHARCOT-MARIE-TOOTH DISEASE, DEMYELINATING, TYPE 4B3. Identifiers: Orphanet 363981, MedGen C3695063, MONDO:0014117, OMIM 615284.

Allele frequency attached by ClinVar (database versions not stated): gnomAD exomes 0.00156; ExAC 0.00195; gnomAD 0.00651 and 0.00694; ESP Exome Variant Server 0.00653; TOPMed 0.00727; 1000 Genomes Project 0.00819; 1000 Genomes Project 30x 0.00828.
gnomAD v4.1: 1,866 of 1,611,062 alleles (0.12%); highest among the groups gnomAD compares: African/African-American, 2.3%; 21 homozygotes.

Submissions (5):

PreventionGenetics, part of Exact Sciences
Classification: Benign for SBF1-related condition. Last evaluated: 2026-03-19. Review status: criteria provided, single submitter. Criteria: ACMG Guidelines, 2015. Collection method: clinical testing. Allele origin: germline.
Comment: This variant is classified as benign based on ACMG/AMP sequence variant interpretation guidelines (Richards et al. 2015 PMID: 25741868, with internal and published modifications).

Labcorp Genetics (formerly Invitae), Labcorp
Classification: Benign. Last evaluated: 2026-01-05. Review status: criteria provided, single submitter. Criteria: Invitae Variant Classification Sherloc (09022015). Collection method: clinical testing. Allele origin: germline.

ARUP Laboratories, Molecular Genetics and Genomics, ARUP Laboratories
Classification: Benign for Charcot-Marie-Tooth disease type 4B3. Last evaluated: 2025-07-17. Review status: criteria provided, single submitter. Criteria: ARUP Molecular Germline Variant Investigation Process 2024. Collection method: clinical testing. Allele origin: germline.

Mayo Clinic Laboratories, Mayo Clinic
Classification: Benign. Last evaluated: 2021-01-05. Review status: criteria provided, single submitter. Criteria: ACMG Guidelines, 2015. Collection method: clinical testing. Allele origin: germline. Observed: 4 variant alleles.

GeneDx
Classification: Likely benign. Last evaluated: 2020-11-10. Review status: criteria provided, single submitter. Criteria: GeneDx Variant Classification Process June 2021. Collection method: clinical testing. Allele origin: germline. Affected: yes.